The following is an entry in ClinVar:

NM_006996.3(SLC19A2):c.1031-21dup

Gene: SLC19A2 (solute carrier family 19 member 2; minus strand). Cytogenetic location: 1q24.2.
Variant type: Duplication.
Coding change: c.1031-21dup on transcript NM_006996.3 (MANE Select); 21 bases into the intron before coding-DNA position 1031, one base duplicated (T; older notation c.1031-21dupT).
Molecular consequence: intron variant.
Genome position (GRCh38, 1-based): chr1:169,468,850, A duplicated on the plus strand (T on the coding strand, the reverse complement: SLC19A2 is on the minus strand); the first of 8 consecutive A bases (chr1:169,468,850-169,468,857); duplicating any one gives the same sequence. VCF-style (leftmost placement, unchanged base first): chr1-169468849-C-CA. GRCh37 (hg19) VCF-style: chr1-169438087-C-CA.
Other names: c.428-21dup (NM_001319667.1); c.1031-14dupT (NM_006996.2).
Identifiers: ClinVar variation 516563 (VCV000516563.5), dbSNP rs760530947, ClinGen allele CA1232934.

ClinVar aggregate classification (germline): Likely benign. Review status: criteria provided, multiple submitters, no conflicts (2 of 4 stars). 2 submissions from 2 submitters: Likely benign (2). Last evaluated 2026-01-12.

Submissions (2):

Labcorp Genetics (formerly Invitae), Labcorp
Classification: Likely benign. Last evaluated: 2026-01-12. Review status: criteria provided, single submitter. Criteria: Invitae Variant Classification Sherloc (09022015). Collection method: clinical testing. Allele origin: germline.

GeneDx
Classification: Likely benign. Last evaluated: 2018-02-16. Review status: criteria provided, single submitter. Criteria: GeneDx Variant Classification (06012015). Collection method: clinical testing. Allele origin: germline. Affected: yes.
Comment: This variant is considered likely benign or benign based on one or more of the following criteria: it is a conservative change, it occurs at a poorly conserved position in the protein, it is predicted to be benign by multiple in silico algorithms, and/or has population frequency not consistent with disease.